The following is an entry in ClinVar:

NM_002303.6(LEPR):c.1589T>G (p.Leu530Arg)

Gene: LEPR (leptin receptor; plus strand). Cytogenetic location: 1p31.3.
Variant type: single nucleotide variant.
Coding change: c.1589T>G on transcript NM_002303.6 (MANE Select); coding-DNA position 1589, T replaced by G.
Protein change: p.Leu530Arg; replaces leucine 530 with arginine.
Molecular consequence: missense variant.
Genome position (GRCh38, 1-based): chr1:65,605,223, T>G. VCF-style: chr1-65605223-T-G. GRCh37 (hg19) VCF-style: chr1-66070906-T-G.
Other names: c.1589T>G, p.Leu530Arg (NM_001003679.3, NM_001003680.3, NM_001198687.2 and 2 more transcripts); short protein forms L530R.
Identifiers: ClinVar variation 4998609 (VCV004998609.1).

ClinVar aggregate classification (germline): Uncertain significance (1 of 4 stars; one submission).

Conditions:
LEPR-related disorder. Also called: LEPR-related disorders; LEPR-related condition.

Submission:

PreventionGenetics, part of Exact Sciences
Classification: Uncertain significance for LEPR-related condition. Last evaluated: 2025-02-13. Review status: criteria provided, single submitter. Criteria: ACMG Guidelines, 2015. Collection method: clinical testing. Allele origin: germline.
Comment: The LEPR c.1589T>G variant is predicted to result in the amino acid substitution p.Leu530Arg. To our knowledge, this variant has not been reported in the literature or in a large population database (gnomAD), indicating this variant is rare. In vitro functional studies showed function similar to wild type (Supplemental Data Set, Shah et al. 2023. PubMed ID: 36864747). At this time, the clinical significance of this variant is uncertain due to the absence of conclusive functional and genetic evidence.